The following is an entry in ClinVar:

NM_020831.6(MRTFA):c.1253C>T (p.Ser418Phe)

Gene: MRTFA (myocardin related transcription factor A; minus strand). Cytogenetic location: 22q13.1.
Variant type: single nucleotide variant.
Coding change: c.1253C>T on transcript NM_020831.6 (MANE Select); coding-DNA position 1253, C replaced by T.
Protein change: p.Ser418Phe; replaces serine 418 with phenylalanine.
Molecular consequence: missense variant.
Genome position (GRCh38, 1-based): chr22:40,420,505, G>A on the plus strand (C>T on the coding strand, the complement: MRTFA is on the minus strand). VCF-style: chr22-40420505-G-A. GRCh37 (hg19) VCF-style: chr22-40816509-G-A.
Other names: c.953C>T, p.Ser318Phe (NM_001282660.2); c.1103C>T, p.Ser368Phe (NM_001282661.3); c.1253C>T, p.Ser418Phe (NM_001282662.3); c.1058C>T, p.Ser353Phe (NM_001318139.2); short protein forms S318F, S353F, S368F, S418F.
Identifiers: ClinVar variation 1683101 (VCV001683101.8), dbSNP rs553457892, ClinGen allele CA10249730.

ClinVar aggregate classification (germline): Uncertain significance (1 of 4 stars; one submission).

Allele frequency attached by ClinVar (database versions not stated): gnomAD exomes 0.00001 and 0.00002; TOPMed 0.00002; ExAC 0.00003; gnomAD 0.00003; 1000 Genomes Project 0.00020; 1000 Genomes Project 30x 0.00031.
gnomAD v4.1: 16 of 1,613,812 alleles (0.00099%); highest among the groups gnomAD compares: East Asian, 0.033%; no homozygotes.

Submission:

Labcorp Genetics (formerly Invitae), Labcorp
Classification: Uncertain significance. Last evaluated: 2021-05-19. Review status: criteria provided, single submitter. Criteria: Invitae Variant Classification Sherloc (09022015). Collection method: clinical testing. Allele origin: germline.
Comment: This variant has not been reported in the literature in individuals with MKL1-related conditions. This variant is present in population databases (rs553457892, ExAC 0.05%). This sequence change replaces serine with phenylalanine at codon 318 of the MKL1 protein (p.Ser318Phe). The serine residue is moderately conserved and there is a large physicochemical difference between serine and phenylalanine. Algorithms developed to predict the effect of missense changes on protein structure and function are either unavailable or do not agree on the potential impact of this missense change (SIFT: "Deleterious"; PolyPhen-2: "Benign"; Align-GVGD: "Class C0"). In summary, the available evidence is currently insufficient to determine the role of this variant in disease. Therefore, it has been classified as a Variant of Uncertain Significance.